The following is an entry in ClinVar:

ClinVar aggregate classification (germline): Pathogenic (1 of 4 stars; one submission).

Submission:

Labcorp Genetics (formerly Invitae), Labcorp
Classification: Pathogenic. Last evaluated: 2022-09-13. Review status: criteria provided, single submitter. Criteria: Invitae Variant Classification Sherloc (09022015). Collection method: clinical testing. Allele origin: germline.
Comment: This sequence change creates a premature translational stop signal (p.Asn2649Lysfs*18) in the LAMA1 gene. It is expected to result in an absent or disrupted protein product. Loss-of-function variants in LAMA1 are known to be pathogenic (PMID: 25105227, 26932191). This variant is not present in population databases (gnomAD no frequency). This variant has not been reported in the literature in individuals affected with LAMA1-related conditions. ClinVar contains an entry for this variant (Variation ID: 1457019). For these reasons, this variant has been classified as Pathogenic.

Literature cited by the submitters: PubMed 25105227; PubMed 26932191.

NM_005559.4(LAMA1):c.7946dup (p.Asn2649fs)

Gene: LAMA1 (laminin subunit alpha 1; minus strand). Cytogenetic location: 18p11.31.
Variant type: Duplication.
Coding change: c.7946dup on transcript NM_005559.4 (MANE Select); coding-DNA position 7946, one base duplicated (A; older notation c.7946dupA).
Protein change: p.Asn2649fs; shifts the reading frame from asparagine 2649.
Molecular consequence: frameshift variant.
Genome position (GRCh38, 1-based): chr18:6,958,495, T duplicated on the plus strand (A on the coding strand, the reverse complement: LAMA1 is on the minus strand); the first of 5 consecutive T bases (chr18:6,958,495-6,958,499); duplicating any one gives the same sequence. VCF-style (leftmost placement, unchanged base first): chr18-6958494-G-GT. GRCh37 (hg19) VCF-style: chr18-6958493-G-GT.
Other names: short protein forms N2649fs.
Identifiers: ClinVar variation 1457019 (VCV001457019.6), dbSNP rs2143999488, ClinGen allele CA2573155090.
Genomic context (GRCh38, chr18:6,958,494, plus strand): 5'-AGGTCAGAAAGTGCAAGAACATGCAGAGAGCAGGTACACTTACTCCAAATTGAAGATCAG[G>GT]TTTTTGATACAGCCATGGAACGATCTTCTCATTGTGAGCAGTGACGTCCCCTCTCCCTCT-3'